The following is an entry in ClinVar:

NM_000891.3(KCNJ2):c.553A>G (p.Lys185Glu)

Gene: KCNJ2 (potassium inwardly rectifying channel subfamily J member 2; plus strand). Cytogenetic location: 17q24.3.
Variant type: single nucleotide variant.
Coding change: c.553A>G on transcript NM_000891.3 (MANE Select); coding-DNA position 553, A replaced by G.
Protein change: p.Lys185Glu; replaces lysine 185 with glutamic acid.
Molecular consequence: missense variant.
Genome position (GRCh38, 1-based): chr17:70,175,592, A>G. VCF-style: chr17-70175592-A-G. GRCh37 (hg19) VCF-style: chr17-68171733-A-G.
Other names: short protein forms K185E.
Identifiers: ClinVar variation 1715427 (VCV001715427.5), dbSNP rs2509921183, ClinGen allele CA400860978.

ClinVar aggregate classification (germline): Uncertain significance (1 of 4 stars; one submission).

Conditions:
Andersen Tawil syndrome (LQT7). Also called: Andersen Syndrome; ANDERSEN CARDIODYSRHYTHMIC PERIODIC PARALYSIS; Potassium-sensitive periodic paralysis, ventricular ectopy, and dysmorphic features; LONG QT SYNDROME 7; PERIODIC PARALYSIS, POTASSIUM-SENSITIVE CARDIODYSRHYTHMIC TYPE. Identifiers: Orphanet 37553, MedGen C1563715, MONDO:0008222, OMIM 170390.
Short QT syndrome type 3. Identifiers: Orphanet 51083, MedGen C1865018, MONDO:0012314, OMIM 609622.

Submission:

Labcorp Genetics (formerly Invitae), Labcorp
Classification: Uncertain significance for Short QT syndrome type 3; Andersen Tawil syndrome. Last evaluated: 2022-08-06. Review status: criteria provided, single submitter. Criteria: Invitae Variant Classification Sherloc (09022015). Collection method: clinical testing. Allele origin: germline.
Comment: In summary, the available evidence is currently insufficient to determine the role of this variant in disease. Therefore, it has been classified as a Variant of Uncertain Significance. Algorithms developed to predict the effect of missense changes on protein structure and function are either unavailable or do not agree on the potential impact of this missense change (SIFT: "Deleterious"; PolyPhen-2: "Probably Damaging"; Align-GVGD: "Class C15"). This variant has not been reported in the literature in individuals affected with KCNJ2-related conditions. This variant is not present in population databases (gnomAD no frequency). This sequence change replaces lysine, which is basic and polar, with glutamic acid, which is acidic and polar, at codon 185 of the KCNJ2 protein (p.Lys185Glu).